The following is an entry in ClinVar:

ClinVar aggregate classification (germline): Uncertain significance. Review status: criteria provided, multiple submitters, no conflicts (2 of 4 stars). 5 submissions from 5 submitters: Uncertain significance (3). 2 of the submissions do not count toward it. Last evaluated 2024-12-16.

Conditions:
Meckel-Gruber syndrome. Also called: DYSENCEPHALIA SPLANCHNOCYSTICA; GRUBER SYNDROME; Dysencephalia splachnocystica. Identifiers: Orphanet 564, MedGen C0265215, MONDO:0018921.
Joubert syndrome. Also called: Familial aplasia of the vermis; JOUBERT-BOLTSHAUSER SYNDROME. Identifiers: Orphanet 475, MedGen C5979921, MONDO:0018772.
COACH syndrome 3. Identifiers: MedGen C5436841, MONDO:0030862, OMIM 619113.
Meckel syndrome, type 5 (MKS5). Identifiers: Orphanet 564, MedGen C1969052, MONDO:0012695, OMIM 611561.
Joubert syndrome 7 (JBTS7). Identifiers: Orphanet 220497, MedGen C1969053, MONDO:0012694, OMIM 611560.
RPGRIP1L-related disorder. Also called: RPGRIP1L-related disorders; RPGRIP1L-related condition. Identifiers: MedGen CN239416.

Allele frequency attached by ClinVar (database versions not stated): gnomAD exomes below 0.00001 and 0.00001; ExAC 0.00001; gnomAD 0.00001; TOPMed 0.00002.
gnomAD v4.1: 11 of 1,570,666 alleles (0.0007%); highest among the groups gnomAD compares: East Asian, 0.0045%; no homozygotes.

Submissions (5):

Labcorp Genetics (formerly Invitae), Labcorp
Classification: Uncertain significance for Joubert syndrome; Meckel-Gruber syndrome. Last evaluated: 2024-12-16. Review status: criteria provided, single submitter. Criteria: Invitae Variant Classification Sherloc (09022015). Collection method: clinical testing. Allele origin: germline.
Comment: This sequence change replaces arginine, which is basic and polar, with glutamine, which is neutral and polar, at codon 355 of the RPGRIP1L protein (p.Arg355Gln). The frequency data for this variant in the population databases is considered unreliable, as metrics indicate poor data quality at this position in the gnomAD database. This variant has not been reported in the literature in individuals affected with RPGRIP1L-related conditions. ClinVar contains an entry for this variant (Variation ID: 953913). Invitae Evidence Modeling of protein sequence and biophysical properties (such as structural, functional, and spatial information, amino acid conservation, physicochemical variation, residue mobility, and thermodynamic stability) indicates that this missense variant is expected to disrupt RPGRIP1L protein function with a positive predictive value of 80%. In summary, the available evidence is currently insufficient to determine the role of this variant in disease. Therefore, it has been classified as a Variant of Uncertain Significance.

Blueprint Genetics
Classification: Uncertain significance. Last evaluated: 2023-11-17. Review status: criteria provided, single submitter. Criteria: ACMG Guidelines, 2015. Collection method: clinical testing. Allele origin: germline.

Fulgent Genetics
Classification: Uncertain significance for Joubert syndrome 7; Meckel syndrome, type 5; COACH syndrome 3. Last evaluated: 2021-10-13. Review status: criteria provided, single submitter. Criteria: ACMG Guidelines, 2015. Collection method: clinical testing. Allele origin: unknown.

PreventionGenetics, part of Exact Sciences
Classification: Uncertain significance for RPGRIP1L-related condition. Last evaluated: 2024-07-03. Review status: no assertion criteria provided. Collection method: clinical testing. Allele origin: germline. Not counted in ClinVar's aggregate classification.
Comment: The RPGRIP1L c.1064G>A variant is predicted to result in the amino acid substitution p.Arg355Gln. To our knowledge, this variant has not been reported in the literature. This variant is reported in 0.0029% of alleles in individuals of Latino descent in gnomAD. At this time, the clinical significance of this variant is uncertain due to the absence of conclusive functional and genetic evidence.

Natera, Inc.
Classification: Uncertain significance for Joubert syndrome. Last evaluated: 2020-07-22. Review status: no assertion criteria provided. Collection method: clinical testing. Allele origin: germline. Not counted in ClinVar's aggregate classification.

NM_015272.5(RPGRIP1L):c.1064G>A (p.Arg355Gln)

Gene: RPGRIP1L (RPGRIP1 like; minus strand). Cytogenetic location: 16q12.2.
Variant type: single nucleotide variant.
Coding change: c.1064G>A on transcript NM_015272.5 (MANE Select); coding-DNA position 1064, G replaced by A.
Protein change: p.Arg355Gln; replaces arginine 355 with glutamine.
Molecular consequence: missense variant.
Genome position (GRCh38, 1-based): chr16:53,671,549, C>T on the plus strand (G>A on the coding strand, the complement: RPGRIP1L is on the minus strand). VCF-style: chr16-53671549-C-T. GRCh37 (hg19) VCF-style: chr16-53705461-C-T.
Other names: c.1064G>A (NM_015272.4); c.1064G>A, p.Arg355Gln (NM_001127897.4, NM_001308334.3, NM_001330538.2); short protein forms R355Q.
Identifiers: ClinVar variation 953913 (VCV000953913.10), dbSNP rs758759988, ClinGen allele CA8057934.